The following is an entry in ClinVar:

ClinVar aggregate classification (germline): Pathogenic (0 of 4 stars; one submission).

Conditions:
Alstrom syndrome (ALMS). Identifiers: Orphanet 64, MedGen C0268425, MONDO:0008763, OMIM 203800.

Submission:

Rare Diseases Lab, University of Vigo
Classification: Pathogenic for Alstrom syndrome. Last evaluated: 2021-02-09. Review status: no assertion criteria provided. Collection method: research. Allele origin: germline. Affected: yes. Observed: 1 variant allele.

NM_001378454.1(ALMS1):c.2785G>T (p.Glu929Ter)

Gene: ALMS1 (ALMS1 centrosome and basal body associated protein; plus strand). Cytogenetic location: 2p13.1.
Variant type: single nucleotide variant.
Coding change: c.2785G>T on transcript NM_001378454.1 (MANE Select); coding-DNA position 2785, G replaced by T.
Protein change: p.Glu929Ter; replaces glutamic acid 929 with a stop codon.
Molecular consequence: nonsense.
Genome position (GRCh38, 1-based): chr2:73,449,312, G>T. VCF-style: chr2-73449312-G-T. GRCh37 (hg19) VCF-style: chr2-73676439-G-T.
Other names: c.2788G>T, p.Glu930Ter (NM_015120.4); short protein forms E929*, E930*.
Identifiers: ClinVar variation 997834 (VCV000997834.2), dbSNP rs1572933082, ClinGen allele CA347272060.